The following is an entry in ClinVar:

NM_006445.4(PRPF8):c.6833C>G (p.Ser2278Trp)

Gene: PRPF8 (pre-mRNA processing factor 8; minus strand). Cytogenetic location: 17p13.3.
Variant type: single nucleotide variant.
Coding change: c.6833C>G on transcript NM_006445.4 (MANE Select); coding-DNA position 6833, C replaced by G.
Protein change: p.Ser2278Trp; replaces serine 2278 with tryptophan.
Molecular consequence: missense variant.
Genome position (GRCh38, 1-based): chr17:1,651,128, G>C on the plus strand (C>G on the coding strand, the complement: PRPF8 is on the minus strand). VCF-style: chr17-1651128-G-C. GRCh37 (hg19) VCF-style: chr17-1554422-G-C.
Other names: short protein forms S2278W.
Identifiers: ClinVar variation 2806681 (VCV002806681.3), dbSNP rs1327478855, ClinGen allele CA397563645.

ClinVar aggregate classification (germline): Uncertain significance (1 of 4 stars; one submission).

Allele frequency attached by ClinVar (database versions not stated): gnomAD 0.00001.
gnomAD v4.1: 1 of 1,613,984 alleles (0.000062%); highest among the groups gnomAD compares: Non-Finnish European, 0.000085%; no homozygotes.

Submission:

Labcorp Genetics (formerly Invitae), Labcorp
Classification: Uncertain significance. Last evaluated: 2023-12-28. Review status: criteria provided, single submitter. Criteria: Invitae Variant Classification Sherloc (09022015). Collection method: clinical testing. Allele origin: germline.
Comment: This sequence change replaces serine, which is neutral and polar, with tryptophan, which is neutral and slightly polar, at codon 2278 of the PRPF8 protein (p.Ser2278Trp). This variant is present in population databases (no rsID available, gnomAD 0.007%). This variant has not been reported in the literature in individuals affected with PRPF8-related conditions. Advanced modeling of protein sequence and biophysical properties (such as structural, functional, and spatial information, amino acid conservation, physicochemical variation, residue mobility, and thermodynamic stability) performed at Invitae indicates that this missense variant is not expected to disrupt PRPF8 protein function with a negative predictive value of 80%. In summary, the available evidence is currently insufficient to determine the role of this variant in disease. Therefore, it has been classified as a Variant of Uncertain Significance.